The following is an entry in ClinVar:

ClinVar aggregate classification (germline): Uncertain significance (1 of 4 stars; one submission).

Conditions:
Methylmalonic acidemia due to transcobalamin receptor defect (MATR). Also called: METHYLMALONIC ACIDEMIA, TCblR TYPE; METHYLMALONIC ACIDURIA, TRANSIENT, DUE TO TRANSCOBALAMIN RECEPTOR DEFECT. Identifiers: Orphanet 280183, MedGen C4749905, MONDO:0013341, OMIM 613646.

Submission:

Labcorp Genetics (formerly Invitae), Labcorp
Classification: Uncertain significance for Methylmalonic acidemia due to transcobalamin receptor defect. Last evaluated: 2022-08-19. Review status: criteria provided, single submitter. Criteria: Invitae Variant Classification Sherloc (09022015). Collection method: clinical testing. Allele origin: germline.
Comment: In summary, the available evidence is currently insufficient to determine the role of this variant in disease. Therefore, it has been classified as a Variant of Uncertain Significance. Experimental studies and prediction algorithms are not available or were not evaluated, and the functional significance of this variant is currently unknown. This variant has not been reported in the literature in individuals affected with CD320-related conditions. This variant is present in population databases (no rsID available, gnomAD 0.01%). This variant, c.571_624del, results in the deletion of 18 amino acid(s) of the CD320 protein (p.Thr191_Val208del), but otherwise preserves the integrity of the reading frame.

NM_016579.4(CD320):c.571_624del (p.Thr191_Val208del)

Gene: CD320 (CD320 molecule; minus strand). Cytogenetic location: 19p13.2.
Variant type: Deletion.
Coding change: c.571_624del on transcript NM_016579.4 (MANE Select); coding-DNA positions 571 to 624, 54 bases deleted.
Protein change: p.Thr191_Val208del.
Molecular consequence: inframe deletion.
Genome position (GRCh38, 1-based): chr19:8,302,859-8,302,912, 54 bases deleted. GRCh37 (hg19): chr19:8,367,784-8,367,837.
Other names: c.445_498del, p.Thr149_Val166del (NM_001165895.2).
Identifiers: ClinVar variation 2139225 (VCV002139225.4), dbSNP rs1568556291, ClinGen allele CA9154671.